The following is an entry in ClinVar:

ClinVar aggregate classification (germline): Pathogenic/Likely pathogenic. Review status: criteria provided, multiple submitters, no conflicts (2 of 4 stars). 3 submissions from 3 submitters: Pathogenic (1); Likely pathogenic (2). Last evaluated 2025-06-14.

Conditions:
CDHR1-related disorder. Also called: CDHR1-related condition.
CDHR1-related disorders.

Allele frequency attached by ClinVar (database versions not stated): gnomAD exomes below 0.00001; gnomAD 0.00001 and 0.00002; TOPMed 0.00001.

Submissions (3):

PreventionGenetics, part of Exact Sciences
Classification: Likely pathogenic for CDHR1-related condition. Last evaluated: 2025-06-14. Review status: criteria provided, single submitter. Criteria: ACMG Guidelines, 2015. Collection method: clinical testing. Allele origin: germline.
Comment: The CDHR1 c.257delC variant is predicted to result in a frameshift and premature protein termination (p.Thr86Ilefs*29). To our knowledge, this variant has not been reported in the literature. This variant is present in 0.0080% of alleles in individuals of African descent in gnomAD. Frameshift variants in CDHR1 are an established mechanism of disease. This variant is interpreted as likely pathogenic.

Labcorp Genetics (formerly Invitae), Labcorp
Classification: Pathogenic. Last evaluated: 2023-08-04. Review status: criteria provided, single submitter. Criteria: Invitae Variant Classification Sherloc (09022015). Collection method: clinical testing. Allele origin: germline.
Comment: This sequence change creates a premature translational stop signal (p.Thr86Ilefs*29) in the CDHR1 gene. It is expected to result in an absent or disrupted protein product. Loss-of-function variants in CDHR1 are known to be pathogenic (PMID: 23044944, 23591405, 26103963, 26261414). This variant is present in population databases (no rsID available, gnomAD 0.008%). This variant has not been reported in the literature in individuals affected with CDHR1-related conditions. ClinVar contains an entry for this variant (Variation ID: 1417137). For these reasons, this variant has been classified as Pathogenic.

Blueprint Genetics
Classification: Likely pathogenic for CDHR1-related disorders. Last evaluated: 2022-03-09. Review status: criteria provided, single submitter. Criteria: ACMG Guidelines, 2015. Collection method: clinical testing. Allele origin: germline. Affected: yes. Observed: 1 variant allele.

Literature cited by the submitters: PubMed 23044944 (cited by Labcorp Genetics (formerly Invitae), Labcorp); PubMed 23591405 (cited by Labcorp Genetics (formerly Invitae), Labcorp); PubMed 26103963 (cited by Labcorp Genetics (formerly Invitae), Labcorp); PubMed 26261414 (cited by Labcorp Genetics (formerly Invitae), Labcorp).

NM_033100.4(CDHR1):c.257del (p.Thr86fs)

Gene: CDHR1 (cadherin related family member 1; plus strand). Cytogenetic location: 10q23.1.
Variant type: Deletion.
Coding change: c.257del on transcript NM_033100.4 (MANE Select); coding-DNA position 257, one base deleted (C; older notation c.257delC).
Protein change: p.Thr86fs; shifts the reading frame from threonine 86.
Molecular consequence: frameshift variant.
Genome position (GRCh38, 1-based): chr10:84,196,610, C deleted. VCF-style (leftmost placement, unchanged base first): chr10-84196609-AC-A. GRCh37 (hg19) VCF-style: chr10-85956365-AC-A.
Other names: c.257del, p.Thr86fs (NM_001171971.3); c.257delC (NM_033100.3); short protein forms T86fs.
Identifiers: ClinVar variation 1417137 (VCV001417137.8), dbSNP rs1274804688, ClinGen allele CA594734580.